The following is an entry in ClinVar:

NM_173651.4(FSIP2):c.9536A>G (p.Asn3179Ser)

Genes: FSIP2 (fibrous sheath interacting protein 2; plus strand), FSIP2-AS1 (FSIP2 antisense RNA 1; minus strand). Cytogenetic location: 2q32.1.
Variant type: single nucleotide variant.
Coding change: c.9536A>G on transcript NM_173651.4 (MANE Select); coding-DNA position 9536, A replaced by G.
Protein change: p.Asn3179Ser; replaces asparagine 3179 with serine.
Molecular consequence: missense variant.
Genome position (GRCh38, 1-based): chr2:185,796,672, A>G. VCF-style: chr2-185796672-A-G. GRCh37 (hg19) VCF-style: chr2-186661399-A-G.
Other names: c.9536A>G (NM_173651.3); short protein forms N3179S.
Identifiers: ClinVar variation 1695000 (VCV001695000.33), dbSNP rs115715789, ClinGen allele CA2016866.
Genomic context (GRCh38, chr2:185,796,672, plus strand): 5'-AATTAGCAACTAATATGAAAATGTTCACATCAAAGTTAAAGGAAGGTAGTTTGGGGATTA[A>G]TCCTTCACAAGTGAGTAAAACTGGGTTTGTGTTTTGTTCAGATGAAGATATGAAAGAAAA-3'
Protein context (NP_775922.3, residues 3169-3189): SKLKEGSLGI[Asn3179Ser]PSQVSKTGFV

ClinVar aggregate classification (germline): Likely benign. Review status: criteria provided, multiple submitters, no conflicts (2 of 4 stars). 3 submissions from 3 submitters: Likely benign (2). 1 of the submissions does not count toward it. Last evaluated 2025-06-01.

Conditions:
FSIP2-related disorder. Also called: FSIP2-related condition.

Allele frequency attached by ClinVar (database versions not stated): 1000 Genomes Project 0.00200; 1000 Genomes Project 30x 0.00203; gnomAD 0.00236 and 0.00251; ExAC 0.00292; TOPMed 0.00301; gnomAD exomes 0.00317 and 0.00340.
gnomAD v4.1: 5,103 of 1,535,124 alleles (0.33%); highest among the groups gnomAD compares: Middle Eastern, 0.72%; 13 homozygotes.

Submissions (3):

CeGaT Center for Human Genetics Tuebingen
Classification: Likely benign. Last evaluated: 2025-06-01. Review status: criteria provided, single submitter. Criteria: CeGaT Center For Human Genetics Tuebingen Variant Classification Criteria Version 2. Collection method: clinical testing. Allele origin: germline. Affected: yes. Observed: 7 variant alleles.
Comment: FSIP2: BP4, BS2

Blueprint Genetics
Classification: Likely benign. Last evaluated: 2024-11-23. Review status: criteria provided, single submitter. Criteria: ACMG Guidelines, 2015. Collection method: clinical testing. Allele origin: germline.

PreventionGenetics, part of Exact Sciences
Classification: Likely benign for FSIP2-related condition. Last evaluated: 2023-03-30. Review status: no assertion criteria provided. Collection method: clinical testing. Allele origin: germline. Not counted in ClinVar's aggregate classification.
Comment: This variant is classified as likely benign based on ACMG/AMP sequence variant interpretation guidelines (Richards et al. 2015 PMID: 25741868, with internal and published modifications).